The following is an entry in ClinVar:

ClinVar aggregate classification (germline): Uncertain significance (1 of 4 stars; one submission).

Conditions:
Cerebral folate transport deficiency. Also called: NEURODEGENERATION DUE TO CEREBRAL FOLATE TRANSPORT DEFICIENCY; Neurodegenerative syndrome due to cerebral folate transport deficiency; Cerebral folate deficiency syndrome; FOLR1-Related Cerebral Folate Transport Deficiency; FOLATE RECEPTOR DEFICIENCY. Identifiers: Orphanet 217382, MedGen C2751584, MONDO:0013110, OMIM 613068. Disease mechanism: loss of function.

Allele frequency attached by ClinVar (database versions not stated): gnomAD 0.00001; TOPMed 0.00001.
gnomAD v4.1: 1 of 1,614,046 alleles (0.000062%); highest among the groups gnomAD compares: Non-Finnish European, 0.000085%; no homozygotes.

Submission:

Labcorp Genetics (formerly Invitae), Labcorp
Classification: Uncertain significance for Cerebral folate transport deficiency. Last evaluated: 2022-08-09. Review status: criteria provided, single submitter. Criteria: Invitae Variant Classification Sherloc (09022015). Collection method: clinical testing. Allele origin: germline.
Comment: This sequence change replaces threonine, which is neutral and polar, with isoleucine, which is neutral and non-polar, at codon 31 of the FOLR1 protein (p.Thr31Ile). This variant is not present in population databases (gnomAD no frequency). This variant has not been reported in the literature in individuals affected with FOLR1-related conditions. ClinVar contains an entry for this variant (Variation ID: 1046313). Algorithms developed to predict the effect of missense changes on protein structure and function are either unavailable or do not agree on the potential impact of this missense change (SIFT: "Deleterious"; PolyPhen-2: "Benign"; Align-GVGD: "Class C15"). In summary, the available evidence is currently insufficient to determine the role of this variant in disease. Therefore, it has been classified as a Variant of Uncertain Significance.

NM_016729.3(FOLR1):c.92C>T (p.Thr31Ile)

Genes: FOLR1 (folate receptor alpha; plus strand), FOLR1-AS1 (FOLR1 antisense RNA 1; minus strand). Cytogenetic location: 11q13.4.
Variant type: single nucleotide variant.
Coding change: c.92C>T on transcript NM_016729.3 (MANE Select); coding-DNA position 92, C replaced by T.
Protein change: p.Thr31Ile; replaces threonine 31 with isoleucine.
Molecular consequence: missense variant.
Genome position (GRCh38, 1-based): chr11:72,192,265, C>T. VCF-style: chr11-72192265-C-T. GRCh37 (hg19) VCF-style: chr11-71903309-C-T.
Other names: c.92C>T, p.Thr31Ile (NM_000802.3, NM_016724.3, NM_016725.3); short protein forms T31I.
Identifiers: ClinVar variation 1046313 (VCV001046313.6), dbSNP rs1304635865, ClinGen allele CA381729505.